The following is an entry in ClinVar:

NM_001130823.3(DNMT1):c.902A>G (p.Lys301Arg)

Gene: DNMT1 (DNA methyltransferase 1; minus strand). Cytogenetic location: 19p13.2.
Variant type: single nucleotide variant.
Coding change: c.902A>G on transcript NM_001130823.3 (MANE Select); coding-DNA position 902, A replaced by G.
Protein change: p.Lys301Arg; replaces lysine 301 with arginine.
Molecular consequence: missense variant.
Genome position (GRCh38, 1-based): chr19:10,163,350, T>C on the plus strand (A>G on the coding strand, the complement: DNMT1 is on the minus strand). VCF-style: chr19-10163350-T-C. GRCh37 (hg19) VCF-style: chr19-10274026-T-C.
Other names: c.854A>G, p.Lys285Arg (NM_001318730.2, NM_001379.4); c.539A>G, p.Lys180Arg (NM_001318731.2); short protein forms K180R, K285R, K301R.
Identifiers: ClinVar variation 3378164 (VCV003378164.2).

ClinVar aggregate classification (germline): Uncertain significance. Review status: criteria provided, multiple submitters, no conflicts (2 of 4 stars). 2 submissions from 2 submitters: Uncertain significance (2). Last evaluated 2025-03-31.

Conditions:
Hereditary sensory neuropathy-deafness-dementia syndrome. Also called: Hereditary Sensory and Autonomic Neuropathy Type 1E (HSAN1E); HSN IE; NEUROPATHY, HEREDITARY SENSORY, WITH HEARING LOSS AND DEMENTIA; Hereditary sensory neuropathy type IE. Identifiers: Orphanet 456318, MedGen C3279885, MONDO:0013584, OMIM 614116.

gnomAD v4.1: 13 of 1,613,916 alleles (0.00081%); highest among the groups gnomAD compares: South Asian, 0.013%; no homozygotes.

Submissions (2):

Labcorp Genetics (formerly Invitae), Labcorp
Classification: Uncertain significance for Hereditary sensory neuropathy-deafness-dementia syndrome. Last evaluated: 2025-03-31. Review status: criteria provided, single submitter. Criteria: Invitae Variant Classification Sherloc (09022015). Collection method: clinical testing. Allele origin: germline.
Comment: This sequence change replaces lysine, which is basic and polar, with arginine, which is basic and polar, at codon 301 of the DNMT1 protein (p.Lys301Arg). This variant is present in population databases (rs765923835, gnomAD 0.003%). This variant has not been reported in the literature in individuals affected with DNMT1-related conditions. ClinVar contains an entry for this variant (Variation ID: 3378164). An algorithm developed to predict the effect of missense changes on protein structure and function outputs the following: PolyPhen-2: "Benign". The arginine amino acid residue is found in multiple mammalian species, which suggests that this missense change does not adversely affect protein function. In summary, the available evidence is currently insufficient to determine the role of this variant in disease. Therefore, it has been classified as a Variant of Uncertain Significance.

GeneDx
Classification: Uncertain significance. Last evaluated: 2024-05-13. Review status: criteria provided, single submitter. Criteria: GeneDx Variant Classification Process June 2021. Collection method: clinical testing. Allele origin: germline. Affected: yes.
Comment: Not observed at significant frequency in large population cohorts (gnomAD); In silico analysis indicates that this missense variant does not alter protein structure/function; Has not been previously published as pathogenic or benign to our knowledge